The following is an entry in ClinVar:

ClinVar aggregate classification (germline): Conflicting classifications of pathogenicity. Review status: criteria provided, conflicting classifications (1 of 4 stars). 5 submissions from 5 submitters: Uncertain significance (1); Likely benign (3). 1 of the submissions does not count toward it. Last evaluated 2026-08-01.

Conditions:
Congenital myasthenic syndrome (CMS). Also called: Congenital Myasthenic Syndromes. Identifiers: Orphanet 590, MedGen C0751882, MeSH D020294, MONDO:0018940.
Congenital myasthenic syndrome 4A. Also called: MYASTHENIC SYNDROME, CONGENITAL, 4A, SLOW-CHANNEL, AUTOSOMAL RECESSIVE; CONGENITAL MYASTHENIC SYNDROME TYPE Ia1; Myasthenic syndrome, congenital, 4a, slow-channel. Identifiers: Orphanet 590, MedGen C4225413, MONDO:0011600, OMIM 605809.

Allele frequency attached by ClinVar (database versions not stated): gnomAD 0.00006 and 0.00009; TOPMed 0.00009.
gnomAD v4.1: 136 of 1,577,552 alleles (0.0086%); highest among the groups gnomAD compares: Middle Eastern, 0.035%; no homozygotes.

Submissions (5):

CeGaT Center for Human Genetics Tuebingen
Classification: Likely benign. Last evaluated: 2026-08-01. Review status: criteria provided, single submitter. Criteria: CeGaT Center For Human Genetics Tuebingen Variant Classification Criteria Version 2. Collection method: clinical testing. Allele origin: germline. Affected: yes. Observed: 1 variant allele.
Comment: CHRNE: BP4, BP7

Labcorp Genetics (formerly Invitae), Labcorp
Classification: Likely benign for Congenital myasthenic syndrome 4A. Last evaluated: 2026-01-28. Review status: criteria provided, single submitter. Criteria: Invitae Variant Classification Sherloc (09022015). Collection method: clinical testing. Allele origin: germline.

Blueprint Genetics
Classification: Likely benign. Last evaluated: 2024-11-25. Review status: criteria provided, single submitter. Criteria: ACMG Guidelines, 2015. Collection method: clinical testing. Allele origin: germline.

Illumina Laboratory Services, Illumina
Classification: Uncertain significance for Congenital myasthenic syndrome. Last evaluated: 2018-01-13. Review status: criteria provided, single submitter. Criteria: ICSL Variant Classification Criteria 13 December 2019. Collection method: clinical testing. Allele origin: germline.

Natera, Inc.
Classification: Likely benign for Congenital myasthenic syndrome. Last evaluated: 2020-05-02. Review status: no assertion criteria provided. Collection method: clinical testing. Allele origin: germline. Not counted in ClinVar's aggregate classification.

NM_000080.4(CHRNE):c.1104C>T (p.Pro368=)

Genes: CHRNE (cholinergic receptor nicotinic epsilon subunit; minus strand), LOC130060041 (ATAC-STARR-seq lymphoblastoid silent region 8050; plus strand). Cytogenetic location: 17p13.2.
Variant type: single nucleotide variant.
Coding change: c.1104C>T on transcript NM_000080.4 (MANE Select); coding-DNA position 1104, C replaced by T.
Protein change: p.Pro368=; no amino-acid change (proline 368 retained).
Molecular consequence: synonymous variant.
Genome position (GRCh38, 1-based): chr17:4,899,313, G>A on the plus strand (C>T on the coding strand, the complement: CHRNE is on the minus strand). VCF-style: chr17-4899313-G-A. GRCh37 (hg19) VCF-style: chr17-4802608-G-A.
Identifiers: ClinVar variation 706191 (VCV000706191.17), dbSNP rs767374241, ClinGen allele CA8314015.